The following is an entry in ClinVar:

ClinVar aggregate classification (germline): Pathogenic/Likely pathogenic. Review status: criteria provided, multiple submitters, no conflicts (2 of 4 stars). 7 submissions from 6 submitters: Pathogenic (3); Likely pathogenic (4). Last evaluated 2025-07-28.

Conditions:
Peroxisome biogenesis disorder 1B (PBD1B). Also called: Refsum disease, infantile form; Infantile Refsum disease; Infantile form of phytanic acid storage disease; PEROXISOME BIOGENESIS DISORDER (NALD/IRD); ADRENOLEUKODYSTROPHY, AUTOSOMAL NEONATAL; PEROXISOME BIOGENESIS DISORDER (NEONATAL ADRENOLEUKODYSTROPHY/INFANTILE REFSUM DISEASE). Identifiers: Orphanet 44, MedGen C0282527, MONDO:0011101, OMIM 601539.
Peroxisome biogenesis disorder 1A (Zellweger) (PBD1A). Also called: Zellweger leukodystrophy; Peroxisome biogenesis disorder 1a. Identifiers: MedGen C4721541, MONDO:0008953, OMIM 214100.
Zellweger spectrum disorders (ZS). Also called: Zellweger Spectrum Disorder; Zellweger Spectrum; Zellweger syndrome; Zellweger Spectrum Disorder (ZSD). Identifiers: Orphanet 912, MedGen C0043459, MONDO:0019609.
Heimler syndrome 1 (HMLR1). Also called: PEROXISOME BIOGENESIS DISORDER 1C. Identifiers: Orphanet 3220, MedGen C4551980, OMIM 234580, MONDO:0024544.
PEX1-related disorder. Also called: PEX1-related condition.

Allele frequency attached by ClinVar (database versions not stated): gnomAD exomes 0.00001.

Submissions (7):

Labcorp Genetics (formerly Invitae), Labcorp
Classification: Pathogenic for Zellweger spectrum disorders. Last evaluated: 2025-07-28. Review status: criteria provided, single submitter. Criteria: Invitae Variant Classification Sherloc (09022015). Collection method: clinical testing. Allele origin: germline.
Comment: This sequence change creates a premature translational stop signal (p.Cys1102Tyrfs*4) in the PEX1 gene. It is expected to result in an absent or disrupted protein product. Loss-of-function variants in PEX1 are known to be pathogenic (PMID: 21031596, 26387595, 31831025). This variant is not present in population databases (gnomAD no frequency). This variant has not been reported in the literature in individuals affected with PEX1-related conditions. ClinVar contains an entry for this variant (Variation ID: 287046). For these reasons, this variant has been classified as Pathogenic.

Natera, Inc.
Classification: Likely pathogenic for Zellweger syndrome. Last evaluated: 2025-04-17. Review status: criteria provided, single submitter. Criteria: Natera Variant Classification Schema (03/2026). Collection method: clinical testing. Allele origin: germline.
Comment: The c.3303_3304dupAT variant in PEX1 is a frameshift variant predicted to shift the reading frame beginning at codon 1102 and leads to a stop codon 4 codons downstream. This variant is expected to result in nonsense mediated decay, truncation, or a dysfunctional protein product. This variant is rare in the general population with a frequency below the threshold expected for the associated phenotype(s). Given the available evidence, this variant is classified as Likely Pathogenic.

Baylor Genetics
Classification: Likely pathogenic for Heimler syndrome 1. Last evaluated: 2024-03-27. Review status: criteria provided, single submitter. Criteria: ACMG Guidelines, 2015. Collection method: clinical testing. Allele origin: unknown.

Blueprint Genetics
Classification: Likely pathogenic for PEX1-related disorders. Last evaluated: 2022-08-04. Review status: criteria provided, single submitter. Criteria: ACMG Guidelines, 2015. Collection method: clinical testing. Allele origin: germline. Affected: yes. Observed: 2 variant alleles.

GeneDx
Classification: Pathogenic. Last evaluated: 2018-11-08. Review status: criteria provided, single submitter. Criteria: GeneDx Variant Classification (06012015). Collection method: clinical testing. Allele origin: germline. Affected: yes.
Comment: The c.3303_3304dupAT variant in the PEX1 gene has not been reported previously as a pathogenic variant nor as a benign variant, to our knowledge. The c.3303_3304dupAT variant causes a frameshift starting with codon Cysteine 1102, changes this amino acid to a Tyrosine residue, and creates a premature Stop codon at position 4 of the new reading frame, denoted p.Cys1102TyrfsX4. This variant is predicted to cause loss of normal protein function either through protein truncation or nonsense-mediated mRNA decay. The c.3303_3304dupAT variant is not observed in large population cohorts (Lek et al., 2016). We interpret c.3303_3304dupAT as a pathogenic variant.

Eurofins Ntd Llc (ga)
Classification: Pathogenic. Last evaluated: 2016-03-30. Review status: criteria provided, single submitter. Criteria: EGL Classification Definitions. Collection method: clinical testing. Allele origin: germline. Observed: 1 variant allele, 1 heterozygote.

Baylor Genetics
Classification: Likely pathogenic for Peroxisome biogenesis disorder 1A (Zellweger); Peroxisome biogenesis disorder 1B. Review status: criteria provided, single submitter. Criteria: ACMG Guidelines, 2015. Collection method: clinical testing. Allele origin: germline.

Literature cited by the submitters: PubMed 21031596 (cited by Labcorp Genetics (formerly Invitae), Labcorp); PubMed 26387595 (cited by Labcorp Genetics (formerly Invitae), Labcorp); PubMed 31831025 (cited by Labcorp Genetics (formerly Invitae), Labcorp).

NM_000466.3(PEX1):c.3303_3304dup (p.Cys1102fs)

Genes: GATAD1 (GATA zinc finger domain containing 1; plus strand), PEX1 (peroxisomal biogenesis factor 1; minus strand). Cytogenetic location: 7q21.2.
Variant type: Duplication.
Coding change: c.3303_3304dup on transcript NM_000466.3 (MANE Select); coding-DNA positions 3303 to 3304, 2 bases duplicated (AT; older notation c.3303_3304dupAT).
Protein change: p.Cys1102fs; shifts the reading frame from cysteine 1102.
Molecular consequence: frameshift variant.
Genome position (GRCh38, 1-based): chr7:92,491,406-92,491,407, AT duplicated on the plus strand (AT on the coding strand, the reverse complement: PEX1 is on the minus strand). VCF-style (leftmost placement, unchanged base first): chr7-92491405-C-CAT. GRCh37 (hg19) VCF-style: chr7-92120719-C-CAT.
Other names: c.3303_3304dup (NM_000466.2); c.3132_3133dup, p.Cys1045fs (NM_001282677.2); c.2679_2680dup, p.Cys894fs (NM_001282678.2); short protein forms C1045fs, C1102fs, C894fs.
Identifiers: ClinVar variation 287046 (VCV000287046.19), dbSNP rs886043558, ClinGen allele CA10605657.